The following is an entry in ClinVar:

NM_001854.4(COL11A1):c.2011G>A (p.Val671Ile)

Gene: COL11A1 (collagen type XI alpha 1 chain; minus strand). Cytogenetic location: 1p21.1.
Variant type: single nucleotide variant.
Coding change: c.2011G>A on transcript NM_001854.4 (MANE Select); coding-DNA position 2011, G replaced by A.
Protein change: p.Val671Ile; replaces valine 671 with isoleucine.
Molecular consequence: missense variant. On other transcripts: non-coding transcript variant (1).
Genome position (GRCh38, 1-based): chr1:103,002,779, C>T on the plus strand (G>A on the coding strand, the complement: COL11A1 is on the minus strand). VCF-style: chr1-103002779-C-T. GRCh37 (hg19) VCF-style: chr1-103468335-C-T.
Other names: c.1663G>A, p.Val555Ile (NM_001168249.1, NM_080630.4); c.1894G>A, p.Val632Ile (NM_001190709.2); c.2047G>A, p.Val683Ile (NM_080629.3); short protein forms V632I, V555I, V671I, V683I.
Identifiers: ClinVar variation 2052097 (VCV002052097.4), dbSNP rs201602988, ClinGen allele CA27728872.

ClinVar aggregate classification (germline): Uncertain significance (1 of 4 stars; one submission).

Submission:

Labcorp Genetics (formerly Invitae), Labcorp
Classification: Uncertain significance. Last evaluated: 2025-10-25. Review status: criteria provided, single submitter. Criteria: Invitae Variant Classification Sherloc (09022015). Collection method: clinical testing. Allele origin: germline.
Comment: This sequence change replaces valine, which is neutral and non-polar, with isoleucine, which is neutral and non-polar, at codon 671 of the COL11A1 protein (p.Val671Ile). This variant is not present in population databases (gnomAD no frequency). This variant has not been reported in the literature in individuals affected with COL11A1-related conditions. ClinVar contains an entry for this variant (Variation ID: 2052097). Invitae Evidence Modeling of protein sequence and biophysical properties (such as structural, functional, and spatial information, amino acid conservation, physicochemical variation, residue mobility, and thermodynamic stability) indicates that this missense variant is not expected to disrupt COL11A1 protein function with a negative predictive value of 80%. In summary, the available evidence is currently insufficient to determine the role of this variant in disease. Therefore, it has been classified as a Variant of Uncertain Significance.